The following is an entry in ClinVar:

NM_000388.4(CASR):c.1694G>A (p.Cys565Tyr)

Gene: CASR (calcium sensing receptor; plus strand). Cytogenetic location: 3q21.1.
Variant type: single nucleotide variant.
Coding change: c.1694G>A on transcript NM_000388.4 (MANE Select); coding-DNA position 1694, G replaced by A.
Protein change: p.Cys565Tyr; replaces cysteine 565 with tyrosine.
Molecular consequence: missense variant.
Genome position (GRCh38, 1-based): chr3:122,282,198, G>A. VCF-style: chr3-122282198-G-A. GRCh37 (hg19) VCF-style: chr3-122001045-G-A.
Other names: c.1724G>A, p.Cys575Tyr (NM_001178065.2); short protein forms C565Y, C575Y.
Identifiers: ClinVar variation 463911 (VCV000463911.10), dbSNP rs1553768736, ClinGen allele CA354156291.

ClinVar aggregate classification (germline): Uncertain significance (1 of 4 stars; one submission).

Conditions:
Familial hypocalciuric hypercalcemia (FHH). Also called: Familial benign hypercalcemia. Identifiers: Orphanet 405, MedGen C1809471, MONDO:0018458.
Autosomal dominant hypocalcemia 1 (HYPOC1). Also called: HYPOCALCEMIA, FAMILIAL. Identifiers: MedGen C3715128, MONDO:0011013, OMIM 601198.

Submission:

Labcorp Genetics (formerly Invitae), Labcorp
Classification: Uncertain significance for Familial hypocalciuric hypercalcemia; Autosomal dominant hypocalcemia 1. Last evaluated: 2017-03-26. Review status: criteria provided, single submitter. Criteria: Invitae Variant Classification Sherloc (09022015). Collection method: clinical testing. Allele origin: germline.
Comment: In summary, this variant is a novel missense change with uncertain impact on protein function. It has been classified as a Variant of Uncertain Significance. Algorithms developed to predict the effect of missense changes on protein structure and function (SIFT, PolyPhen-2, Align-GVGD) all suggest that this variant is likely to be tolerated, but these predictions have not been confirmed by published functional studies. This variant is not present in population databases (ExAC no frequency) and has not been reported in the literature in individuals with a CASR-related disease. This sequence change replaces cysteine with tyrosine at codon 565 of the CASR protein (p.Cys565Tyr). The cysteine residue is highly conserved and there is a large physicochemical difference between cysteine and tyrosine.